The following is an entry in ClinVar:

ClinVar aggregate classification (germline): Uncertain significance (1 of 4 stars; one submission).

Submission:

GeneDx
Classification: Uncertain significance. Last evaluated: 2024-12-13. Review status: criteria provided, single submitter. Criteria: GeneDx Variant Classification Process June 2021. Collection method: clinical testing. Allele origin: germline. Affected: yes.
Comment: Not observed at significant frequency in large population cohorts (gnomAD); In silico analysis supports that this missense variant has a deleterious effect on protein structure/function; Has not been previously published as pathogenic or benign to our knowledge

NM_000921.5(PDE3A):c.1343C>A (p.Thr448Lys)

Gene: PDE3A (phosphodiesterase 3A; plus strand). Cytogenetic location: 12p12.2.
Variant type: single nucleotide variant.
Coding change: c.1343C>A on transcript NM_000921.5 (MANE Select); coding-DNA position 1343, C replaced by A.
Protein change: p.Thr448Lys; replaces threonine 448 with lysine.
Molecular consequence: missense variant.
Genome position (GRCh38, 1-based): chr12:20,616,303, C>A. VCF-style: chr12-20616303-C-A. GRCh37 (hg19) VCF-style: chr12-20769237-C-A.
Other names: c.377C>A, p.Thr126Lys (NM_001244683.2, NM_001378409.1); c.1343C>A, p.Thr448Lys (NM_001378407.1); c.380C>A, p.Thr127Lys (NM_001378408.1); short protein forms T126K, T127K, T448K.
Identifiers: ClinVar variation 3903114 (VCV003903114.1).
Genomic context (GRCh38, chr12:20,616,303, plus strand): 5'-GTTTGCCTCCTGGCTTGTTGAGACGAGTTTCTTCCACTTGGACCACCACCACCTCGGCCA[C>A]AGGTCTACCCACCTTGGAGCCTGCACCAGTACGGAGAGACCGCAGCACCAGCATCAAACT-3'
Protein context (NP_000912.3, residues 438-458): SSTWTTTTSA[Thr448Lys]GLPTLEPAPV